The following is an entry in ClinVar:

ClinVar aggregate classification (germline): Uncertain significance (1 of 4 stars; one submission).

Conditions:
Fanconi anemia complementation group J. Also called: BRIP1-Related Fanconi Anemia. Identifiers: Orphanet 84, MedGen C1836860, MONDO:0012187, OMIM 609054.
Familial cancer of breast. Also called: Hereditary breast cancer; hereditary breast carcinoma; BREAST CANCER, FAMILIAL. Identifiers: Orphanet 227535, MedGen C0346153, MONDO:0016419, OMIM 114480. Disease mechanism: loss of function.

Submission:

Labcorp Genetics (formerly Invitae), Labcorp
Classification: Uncertain significance for Familial cancer of breast; Fanconi anemia complementation group J. Last evaluated: 2025-03-02. Review status: criteria provided, single submitter. Criteria: Invitae Variant Classification Sherloc (09022015). Collection method: clinical testing. Allele origin: germline.
Comment: This sequence change replaces isoleucine, which is neutral and non-polar, with threonine, which is neutral and polar, at codon 365 of the BRIP1 protein (p.Ile365Thr). This variant is not present in population databases (gnomAD no frequency). This variant has not been reported in the literature in individuals affected with BRIP1-related conditions. Invitae Evidence Modeling of protein sequence and biophysical properties (such as structural, functional, and spatial information, amino acid conservation, physicochemical variation, residue mobility, and thermodynamic stability) has been performed for this missense variant. However, the output from this modeling did not meet the statistical confidence thresholds required to predict the impact of this variant on BRIP1 protein function. In summary, the available evidence is currently insufficient to determine the role of this variant in disease. Therefore, it has been classified as a Variant of Uncertain Significance.

NM_032043.3(BRIP1):c.1094T>C (p.Ile365Thr)

Gene: BRIP1 (BRCA1 interacting DNA helicase 1; minus strand). Cytogenetic location: 17q23.2.
Variant type: single nucleotide variant.
Coding change: c.1094T>C on transcript NM_032043.3 (MANE Select); coding-DNA position 1094, T replaced by C.
Protein change: p.Ile365Thr; replaces isoleucine 365 with threonine.
Molecular consequence: missense variant.
Genome position (GRCh38, 1-based): chr17:61,801,299, A>G on the plus strand (T>C on the coding strand, the complement: BRIP1 is on the minus strand). VCF-style: chr17-61801299-A-G. GRCh37 (hg19) VCF-style: chr17-59878660-A-G.
Other names: short protein forms I365T.
Identifiers: ClinVar variation 4783562 (VCV004783562.1).
Genomic context (GRCh38, chr17:61,801,299, plus strand): 5'-ACACATATACTCACACTTTCCCTTATTTGTGCATCTAGAAGATAGTTGTAGGGACAAAAT[A>G]TGATGTCAGCATCTTGTATTAGTTCTCGGGCTGTGTAATATGGACAGGCCTTTAGTTTCT-3'
Protein context (NP_114432.2, residues 355-375): ARELIQDADI[Ile365Thr]FCPYNYLLDA